The following is an entry in ClinVar:

ClinVar aggregate classification (germline): Pathogenic (1 of 4 stars; one submission).

Conditions:
Fanconi anemia complementation group J. Also called: BRIP1-Related Fanconi Anemia. Identifiers: Orphanet 84, MedGen C1836860, MONDO:0012187, OMIM 609054.
Familial cancer of breast. Also called: BREAST CANCER, FAMILIAL; hereditary breast carcinoma; Hereditary breast cancer. Identifiers: Orphanet 227535, MedGen C0346153, MONDO:0016419, OMIM 114480. Disease mechanism: loss of function.

Submission:

Labcorp Genetics (formerly Invitae), Labcorp
Classification: Pathogenic for Familial cancer of breast; Fanconi anemia complementation group J. Last evaluated: 2024-03-06. Review status: criteria provided, single submitter. Criteria: Invitae Variant Classification Sherloc (09022015). Collection method: clinical testing. Allele origin: germline.
Comment: This sequence change creates a premature translational stop signal (p.Ala513Glnfs*13) in the BRIP1 gene. It is expected to result in an absent or disrupted protein product. Loss-of-function variants in BRIP1 are known to be pathogenic (PMID: 16116423, 17033622, 21964575). This variant is not present in population databases (gnomAD no frequency). This variant has not been reported in the literature in individuals affected with BRIP1-related conditions. ClinVar contains an entry for this variant (Variation ID: 573351). Algorithms developed to predict the effect of sequence changes on RNA splicing suggest that this variant may disrupt the consensus splice site. For these reasons, this variant has been classified as Pathogenic.

Literature cited by the submitters: PubMed 16116423; PubMed 17033622; PubMed 21964575.

NM_032043.3(BRIP1):c.1537del (p.Ala513fs)

Gene: BRIP1 (BRCA1 interacting DNA helicase 1; minus strand). Cytogenetic location: 17q23.2.
Variant type: Deletion.
Coding change: c.1537del on transcript NM_032043.3 (MANE Select); coding-DNA position 1537, one base deleted (G; older notation c.1537delG).
Protein change: p.Ala513fs; shifts the reading frame from alanine 513.
Molecular consequence: frameshift variant.
Genome position (GRCh38, 1-based): chr17:61,784,361, C deleted on the plus strand (G on the coding strand, the reverse complement: BRIP1 is on the minus strand); the first of 2 consecutive C bases (chr17:61,784,361-61,784,362); deleting either gives the same sequence. VCF-style (leftmost placement, unchanged base first): chr17-61784360-GC-G. GRCh37 (hg19) VCF-style: chr17-59861721-GC-G.
Other names: c.1537delG (NM_032043.2); short protein forms A513fs.
Identifiers: ClinVar variation 573351 (VCV000573351.7), dbSNP rs1567816997, ClinGen allele CA891843523.
Genomic context (GRCh38, chr17:61,784,360, plus strand): 5'-ACCATAAAAAGTCCTTTAAGCATTATTTGAGTTGATGCACTAATAACAGGTACTTCTCTT[GC>G]CTCCTCTTTACCATAAATTGGTGAGATTTTTTCCTCTTTTTGAAGAACAGCAGAAAAATG-3'